The following is an entry in ClinVar:

ClinVar aggregate classification (germline): Conflicting classifications of pathogenicity. Review status: criteria provided, conflicting classifications (1 of 4 stars). 4 submissions from 4 submitters: Uncertain significance (1); Likely benign (2). 1 of the submissions does not count toward it. Last evaluated 2025-08-04.

Conditions:
INSR-related disorder.

Allele frequency attached by ClinVar (database versions not stated): gnomAD exomes 0.00007 and 0.00020; ExAC 0.00030; ESP Exome Variant Server 0.00038; 1000 Genomes Project 30x 0.00078; gnomAD 0.00084 and 0.00087; 1000 Genomes Project 0.00100; TOPMed 0.00111.
gnomAD v4.1: 242 of 1,613,740 alleles (0.015%); highest among the groups gnomAD compares: African/African-American, 0.25%; no homozygotes.

Submissions (4):

Labcorp Genetics (formerly Invitae), Labcorp
Classification: Likely benign. Last evaluated: 2025-08-04. Review status: criteria provided, single submitter. Criteria: Invitae Variant Classification Sherloc (09022015). Collection method: clinical testing. Allele origin: germline.

Eurofins Ntd Llc (ga)
Classification: Uncertain significance. Last evaluated: 2016-02-24. Review status: criteria provided, single submitter. Criteria: EGL Classification Definitions 2015. Collection method: clinical testing. Allele origin: germline. Observed: 1 variant allele, 1 heterozygote.

Genetic Services Laboratory, University of Chicago
Classification: Likely benign. Last evaluated: 2015-03-17. Review status: criteria provided, single submitter. Criteria: ACMG Guidelines, 2015. Collection method: clinical testing. Allele origin: germline.

PreventionGenetics, part of Exact Sciences
Classification: Uncertain significance for INSR-related condition. Last evaluated: 2023-11-08. Review status: no assertion criteria provided. Collection method: clinical testing. Allele origin: germline. Not counted in ClinVar's aggregate classification.
Comment: The INSR c.959C>T variant is predicted to result in the amino acid substitution p.Thr320Met. To our knowledge, this variant has not been reported in the literature. This variant is reported in 0.26% of alleles in individuals of African descent in gnomAD. At this time, the clinical significance of this variant is uncertain due to the absence of conclusive functional and genetic evidence.

NM_000208.4(INSR):c.959C>T (p.Thr320Met)

Gene: INSR (insulin receptor; minus strand). Cytogenetic location: 19p13.2.
Variant type: single nucleotide variant.
Coding change: c.959C>T on transcript NM_000208.4 (MANE Select); coding-DNA position 959, C replaced by T.
Protein change: p.Thr320Met; replaces threonine 320 with methionine.
Molecular consequence: missense variant.
Genome position (GRCh38, 1-based): chr19:7,184,331, G>A on the plus strand (C>T on the coding strand, the complement: INSR is on the minus strand). VCF-style: chr19-7184331-G-A. GRCh37 (hg19) VCF-style: chr19-7184342-G-A.
Other names: c.959C>T, p.Thr320Met (NM_001079817.3); short protein forms T320M.
Identifiers: ClinVar variation 211200 (VCV000211200.19), dbSNP rs138528064, ClinGen allele CA206180.
Genomic context (GRCh38, chr19:7,184,331, plus strand): 5'-TCCTTCTCCTCTCGGCTGCCCCCCAGACCCACATCCAGAACTCACTTGCTGGAATTCATC[G>A]TGTACCCGGAGGGACACTCAGGGATGCACTTGTTGTTGTGAATGACGTACTGGTGGCAGC-3'
Protein context (NP_000199.2, residues 310-330): KCIPECPSGY[Thr320Met]MNSSNLLCTP